The following is an entry in ClinVar:

ClinVar aggregate classification (germline): Benign/Likely benign. Review status: criteria provided, multiple submitters, no conflicts (2 of 4 stars). 4 submissions from 4 submitters: Benign (2); Likely benign (2). Last evaluated 2026-04-01.

Conditions:
DST-related disorder. Also called: DST-related condition; DST-related disorders.
Hereditary sensory and autonomic neuropathy type 6. Also called: HSAN VI; Neuropathy, hereditary sensory and autonomic, type VI. Identifiers: Orphanet 314381, MedGen C3539003, MONDO:0013839, OMIM 614653.
Epidermolysis bullosa simplex 3, localized or generalized intermediate, with BP230 deficiency (EBS3). Also called: Epidermolysis bullosa simplex, autosomal recessive 2; Epidermolysis bullosa simplex due to BP230 deficiency. Identifiers: Orphanet 412181, MedGen C3809470, MONDO:0014180, OMIM 615425.

Allele frequency attached by ClinVar (database versions not stated): gnomAD exomes 0.00077 and 0.00027; ExAC 0.00085; ESP Exome Variant Server 0.00313; TOPMed 0.00352; 1000 Genomes Project 0.00240; 1000 Genomes Project 30x 0.00234; gnomAD 0.00331 and 0.00355.
gnomAD v4.1: 909 of 1,613,168 alleles (0.056%); highest among the groups gnomAD compares: African/African-American, 1.1%; 6 homozygotes.

Submissions (4):

CeGaT Center for Human Genetics Tuebingen
Classification: Likely benign. Last evaluated: 2026-04-01. Review status: criteria provided, single submitter. Criteria: CeGaT Center For Human Genetics Tuebingen Variant Classification Criteria Version 2. Collection method: clinical testing. Allele origin: germline. Affected: yes. Observed: 1 variant allele.
Comment: DST: BP4, BP7, BS1

Labcorp Genetics (formerly Invitae), Labcorp
Classification: Benign for Epidermolysis bullosa simplex 3, localized or generalized intermediate, with BP230 deficiency; Hereditary sensory and autonomic neuropathy type 6. Last evaluated: 2026-01-04. Review status: criteria provided, single submitter. Criteria: Invitae Variant Classification Sherloc (09022015). Collection method: clinical testing. Allele origin: germline.

PreventionGenetics, part of Exact Sciences
Classification: Benign for DST-related condition. Last evaluated: 2025-05-07. Review status: criteria provided, single submitter. Criteria: ACMG Guidelines, 2015. Collection method: clinical testing. Allele origin: germline.
Comment: This variant is classified as benign based on ACMG/AMP sequence variant interpretation guidelines (Richards et al. 2015 PMID: 25741868, with internal and published modifications).

Blueprint Genetics
Classification: Likely benign. Last evaluated: 2024-11-14. Review status: criteria provided, single submitter. Criteria: ACMG Guidelines, 2015. Collection method: clinical testing. Allele origin: germline.

NM_001374736.1(DST):c.16575G>A (p.Thr5525=)

Gene: DST (dystonin; minus strand). Cytogenetic location: 6p12.1.
Variant type: single nucleotide variant.
Coding change: c.16575G>A on transcript NM_001374736.1 (MANE Select); coding-DNA position 16575, G replaced by A.
Protein change: p.Thr5525=; no amino-acid change (threonine 5525 retained).
Molecular consequence: synonymous variant.
Genome position (GRCh38, 1-based): chr6:56,552,217, C>T on the plus strand (G>A on the coding strand, the complement: DST is on the minus strand). VCF-style: chr6-56552217-C-T. GRCh37 (hg19) VCF-style: chr6-56417015-C-T.
Other names: c.10218G>A, p.Thr3406= (NM_001144769.5); c.9804G>A, p.Thr3268= (NM_001144770.2); c.16575G>A, p.Thr5525= (NM_001374722.1); c.15942G>A, p.Thr5314= (NM_001374729.1); c.9684G>A, p.Thr3228= (NM_001374730.1, NM_001386100.1, NM_183380.4); c.16602G>A, p.Thr5534= (NM_001374734.1); c.8706G>A, p.Thr2902= (NM_015548.5).
Identifiers: ClinVar variation 796222 (VCV000796222.18), dbSNP rs188035465, ClinGen allele CA3867656.